The following is an entry in ClinVar:

NM_020366.4(RPGRIP1):c.664_665del (p.Asn222fs)

Gene: RPGRIP1 (RPGR interacting protein 1; plus strand). Cytogenetic location: 14q11.2.
Variant type: Deletion.
Coding change: c.664_665del on transcript NM_020366.4 (MANE Select); coding-DNA positions 664 to 665, 2 bases deleted (AA; older notation c.664_665delAA).
Protein change: p.Asn222fs; shifts the reading frame from asparagine 222.
Molecular consequence: frameshift variant.
Genome position (GRCh38, 1-based): chr14:21,303,407-21,303,408, AA deleted. VCF-style (leftmost placement, unchanged base first): chr14-21303406-TAA-T. GRCh37 (hg19) VCF-style: chr14-21771565-TAA-T.
Other names: short protein forms N222fs.
Identifiers: ClinVar variation 2941540 (VCV002941540.3), dbSNP rs2502711239, ClinGen allele CA2740097705.
Genomic context (GRCh38, chr14:21,303,406, plus strand): 5'-CAGCATAATTTCTTTCAGCAGTGTCATAAGTATGGCTAAACCCATTGGTCTATGCATGCC[TAA>T]CAGTGCCCACATCATGGCCAGCAATACCATGCAAGTGGAAGAGCCACCCAAGTCTCCTGA-3'

ClinVar aggregate classification (germline): Pathogenic (1 of 4 stars; one submission).

Conditions:
Cone-rod dystrophy 13 (CORD13). Identifiers: Orphanet 1872, MedGen C2750720, MONDO:0011987, OMIM 608194.
Leber congenital amaurosis 6 (LCA6). Identifiers: Orphanet 65, MedGen C1854260, MONDO:0013446, OMIM 613826.

Submission:

Labcorp Genetics (formerly Invitae), Labcorp
Classification: Pathogenic for Leber congenital amaurosis 6; Cone-rod dystrophy 13. Last evaluated: 2023-06-30. Review status: criteria provided, single submitter. Criteria: Invitae Variant Classification Sherloc (09022015). Collection method: clinical testing. Allele origin: germline.
Comment: For these reasons, this variant has been classified as Pathogenic. Algorithms developed to predict the effect of sequence changes on RNA splicing suggest that this variant may disrupt the consensus splice site. This variant has not been reported in the literature in individuals affected with RPGRIP1-related conditions. This variant is not present in population databases (gnomAD no frequency). This sequence change creates a premature translational stop signal (p.Asn222Glnfs*20) in the RPGRIP1 gene. It is expected to result in an absent or disrupted protein product. Loss-of-function variants in RPGRIP1 are known to be pathogenic (PMID: 11528500, 23105016).

Literature cited by the submitters: PubMed 11528500; PubMed 23105016.